The following is an entry in ClinVar:

NM_001366385.1(CARD14):c.2772C>T (p.His924=)

Genes: CARD14 (caspase recruitment domain family member 14; plus strand), SGSH (N-sulfoglucosamine sulfohydrolase; minus strand). Cytogenetic location: 17q25.3.
Variant type: single nucleotide variant.
Coding change: c.2772C>T on transcript NM_001366385.1 (MANE Select); coding-DNA position 2772, C replaced by T.
Protein change: p.His924=; no amino-acid change (histidine 924 retained).
Molecular consequence: synonymous variant. On other transcripts: non-coding transcript variant (1).
Genome position (GRCh38, 1-based): chr17:80,207,050, C>T. VCF-style: chr17-80207050-C-T. GRCh37 (hg19) VCF-style: chr17-78180849-C-T.
Other names: p.His924=; c.2772C>T, p.His924= (NM_024110.4).
Identifiers: ClinVar variation 458098 (VCV000458098.19), dbSNP rs146356100, ClinGen allele CA8817444.
Genomic context (GRCh38, chr17:80,207,050, plus strand): 5'-CGTCCAGCTGGACAGTGTCTGCACCCTGCACAGGATGGACATCTTCCCCATCGTCATCCA[C>T]GTCTCTGTCAACGAGAAGATGGCAAAGAAGCTCAAGTAGGTGCACGCTGGGGGCTGGGCA-3'
Protein context (NP_001353314.1, residues 914-934): HRMDIFPIVI[His924=]VSVNEKMAKK

ClinVar aggregate classification (germline): Benign/Likely benign. Review status: criteria provided, multiple submitters, no conflicts (2 of 4 stars). 6 submissions from 6 submitters: Benign (5); Likely benign (1). Last evaluated 2026-01-27.

Conditions:
Autoinflammatory syndrome. Identifiers: Orphanet 93665, MedGen C3890737, MONDO:0019751.
Psoriasis 2. Identifiers: MedGen C1864497, MONDO:0011269, OMIM 602723.
Pityriasis rubra pilaris (PRP). Also called: Pityriasis rubra pilaris--familial type. Identifiers: Orphanet 2897, MedGen C0032027, MONDO:0100017, OMIM 173200, MONDO:0008251.

Allele frequency attached by ClinVar (database versions not stated): gnomAD exomes 0.00063 and 0.00157; ExAC 0.00196; gnomAD 0.00566 and 0.00593; 1000 Genomes Project 0.00599; 1000 Genomes Project 30x 0.00609; TOPMed 0.00676; ESP Exome Variant Server 0.00684.
gnomAD v4.1: 1,806 of 1,613,956 alleles (0.11%); highest among the groups gnomAD compares: African/African-American, 2%; 17 homozygotes.

Submissions (6):

Labcorp Genetics (formerly Invitae), Labcorp
Classification: Benign for Pityriasis rubra pilaris; Psoriasis 2. Last evaluated: 2026-01-27. Review status: criteria provided, single submitter. Criteria: Invitae Variant Classification Sherloc (09022015). Collection method: clinical testing. Allele origin: germline.

Women's Health and Genetics/Laboratory Corporation of America, LabCorp
Classification: Benign. Last evaluated: 2026-01-22. Review status: criteria provided, single submitter. Criteria: LabCorp Variant Classification Summary - May 2015. Collection method: clinical testing. Allele origin: germline.

Blueprint Genetics
Classification: Likely benign. Last evaluated: 2024-10-18. Review status: criteria provided, single submitter. Criteria: ACMG Guidelines, 2015. Collection method: clinical testing. Allele origin: germline.

Mayo Clinic Laboratories, Mayo Clinic
Classification: Benign. Last evaluated: 2024-02-15. Review status: criteria provided, single submitter. Criteria: ACMG Guidelines, 2015. Collection method: clinical testing. Allele origin: germline. Observed: 6 variant alleles.
Comment: BS1, BS2, BP4, BP7

Genome Diagnostics Laboratory, The Hospital for Sick Children
Classification: Benign for Autoinflammatory syndrome. Last evaluated: 2022-05-03. Review status: criteria provided, single submitter. Criteria: ACMG Guidelines, 2015. Collection method: clinical testing. Allele origin: germline. Affected: yes.

Breakthrough Genomics
Classification: Benign. Review status: criteria provided, single submitter. Criteria: ACMG Guidelines, 2015. Collection method: not provided. Allele origin: germline. Inheritance: Autosomal dominant inheritance. Affected: yes.